The following is an entry in ClinVar:

NM_139343.3(BIN1):c.427C>T (p.Arg143Trp)

Gene: BIN1 (bridging integrator 1; minus strand). Cytogenetic location: 2q14.3.
Variant type: single nucleotide variant.
Coding change: c.427C>T on transcript NM_139343.3 (MANE Select); coding-DNA position 427, C replaced by T.
Protein change: p.Arg143Trp; replaces arginine 143 with tryptophan.
Molecular consequence: missense variant.
Genome position (GRCh38, 1-based): chr2:127,069,016, G>A on the plus strand (C>T on the coding strand, the complement: BIN1 is on the minus strand). VCF-style: chr2-127069016-G-A. GRCh37 (hg19) VCF-style: chr2-127826592-G-A.
Other names: c.427C>T, p.Arg143Trp (NM_001320632.2, NM_001320633.2, NM_001320640.2 and 10 more transcripts); c.355C>T, p.Arg119Trp (NM_001320634.1); c.346C>T, p.Arg116Trp (NM_001320642.1); short protein forms R116W, R119W, R143W.
Identifiers: ClinVar variation 3624894 (VCV003624894.2).

ClinVar aggregate classification (germline): Uncertain significance (1 of 4 stars; one submission).

Conditions:
Myopathy, centronuclear, 2 (CNM2). Also called: MYOTUBULAR MYOPATHY, AUTOSOMAL RECESSIVE. Identifiers: Orphanet 169186, MedGen CN031787, MONDO:0009709, OMIM 255200.

gnomAD v4.1: 1 of 1,614,054 alleles (0.000062%); highest among the groups gnomAD compares: Non-Finnish European, 0.000085%; no homozygotes.

Submission:

Labcorp Genetics (formerly Invitae), Labcorp
Classification: Uncertain significance for Myopathy, centronuclear, 2. Last evaluated: 2024-08-28. Review status: criteria provided, single submitter. Criteria: Invitae Variant Classification Sherloc (09022015). Collection method: clinical testing. Allele origin: germline.
Comment: This sequence change replaces arginine, which is basic and polar, with tryptophan, which is neutral and slightly polar, at codon 143 of the BIN1 protein (p.Arg143Trp). This variant is not present in population databases (gnomAD no frequency). This variant has not been reported in the literature in individuals affected with BIN1-related conditions. Invitae Evidence Modeling of protein sequence and biophysical properties (such as structural, functional, and spatial information, amino acid conservation, physicochemical variation, residue mobility, and thermodynamic stability) indicates that this missense variant is expected to disrupt BIN1 protein function with a positive predictive value of 80%. In summary, the available evidence is currently insufficient to determine the role of this variant in disease. Therefore, it has been classified as a Variant of Uncertain Significance.